The following is an entry in ClinVar:

NM_007294.4(BRCA1):c.2740G>C (p.Glu914Gln)

Gene: BRCA1 (BRCA1 DNA repair associated; minus strand). Cytogenetic location: 17q21.31.
Variant type: single nucleotide variant.
Coding change: c.2740G>C on transcript NM_007294.4 (MANE Select); coding-DNA position 2740, G replaced by C.
Protein change: p.Glu914Gln; replaces glutamic acid 914 with glutamine.
Molecular consequence: missense variant. On other transcripts: intron variant (137).
Genome position (GRCh38, 1-based): chr17:43,092,791, C>G on the plus strand (G>C on the coding strand, the complement: BRCA1 is on the minus strand). VCF-style: chr17-43092791-C-G. GRCh37 (hg19) VCF-style: chr17-41244808-C-G.
Other names: c.2599G>C, p.Glu867Gln (NM_001407726.1, NM_001407727.1, NM_001407728.1 and 29 more transcripts); c.2596G>C, p.Glu866Gln (NM_001407740.1, NM_001407741.1, NM_001407742.1 and 20 more transcripts); c.2527G>C, p.Glu843Gln (NM_001407853.1, NM_001407894.1, NM_001407895.1 and 9 more transcripts); c.2740G>C, p.Glu914Gln (NM_001407854.1, NM_001407858.1, NM_001407859.1 and 30 more transcripts); c.2737G>C, p.Glu913Gln (NM_001407860.1, NM_001407861.1, NM_001407587.1 and 22 more transcripts); c.2539G>C, p.Glu847Gln (NM_001407862.1); c.2617G>C, p.Glu873Gln (NM_001407863.1, NM_001407919.1, NM_001407937.1 and 19 more transcripts); c.2536G>C, p.Glu846Gln (NM_001407874.1, NM_001407875.1); and 41 more; short protein forms E914Q, E867Q, E618Q, E786Q, E802Q, E825Q, E872Q, E887Q.
Identifiers: ClinVar variation 1409056 (VCV001409056.11), dbSNP rs80357419, ClinGen allele CA10596510.

ClinVar aggregate classification (germline): Conflicting classifications of pathogenicity. Review status: criteria provided, conflicting classifications (1 of 4 stars). 2 submissions from 2 submitters: Uncertain significance (1); Likely benign (1). Last evaluated 2023-03-23.

Conditions:
Hereditary breast ovarian cancer syndrome. Also called: Hereditary breast and ovarian cancer syndrome (HBOC); Breast and ovarian cancer; Hereditary breast and ovarian cancer syndrome; Hereditary breast and/or ovarian cancer syndrome; Hereditary breast and ovarian cancer; BRCA1- and BRCA2-Associated Hereditary Breast and Ovarian Cancer. Identifiers: Orphanet 145, MedGen C0677776, MeSH D061325, MONDO:0003582. Disease mechanism: loss of function.
Hereditary cancer-predisposing syndrome. Also called: Hereditary Cancer Syndrome; Tumor predisposition; Hereditary neoplastic syndrome; Neoplastic Syndromes, Hereditary. Identifiers: Orphanet 140162, MedGen C0027672, MeSH D009386, MONDO:0015356.

Allele frequency attached by ClinVar (database versions not stated): gnomAD exomes below 0.00001.
gnomAD v4.1: 2 of 1,613,980 alleles (0.00012%); highest among the groups gnomAD compares: Non-Finnish European, 0.00017%; no homozygotes.

Submissions (2):

University of Washington Department of Laboratory Medicine, University of Washington
Classification: Likely benign for Hereditary cancer-predisposing syndrome. Last evaluated: 2023-03-23. Review status: criteria provided, single submitter. Criteria: Dines et al. (Genet Med. 2020). Collection method: curation. Allele origin: germline.
Comment: Missense variant in a coldspot region where missense variants are very unlikely to be pathogenic (PMID:31911673).

BRCA1 coldspot (exon 11 using historical exon numbering). Reclassification based on statistical prior probability

Labcorp Genetics (formerly Invitae), Labcorp
Classification: Uncertain significance for Hereditary breast ovarian cancer syndrome. Last evaluated: 2021-07-03. Review status: criteria provided, single submitter. Criteria: Invitae Variant Classification Sherloc (09022015). Collection method: clinical testing. Allele origin: germline.
Comment: This sequence change replaces glutamic acid with glutamine at codon 914 of the BRCA1 protein (p.Glu914Gln). The glutamic acid residue is moderately conserved and there is a small physicochemical difference between glutamic acid and glutamine. In summary, the available evidence is currently insufficient to determine the role of this variant in disease. Therefore, it has been classified as a Variant of Uncertain Significance. Advanced modeling of protein sequence and biophysical properties (such as structural, functional, and spatial information, amino acid conservation, physicochemical variation, residue mobility, and thermodynamic stability) performed at Invitae indicates that this missense variant is not expected to disrupt BRCA1 protein function. This variant has been observed in individual(s) with personal and/or family history of breast and/or ovarian cancer (PMID: 27062684). This variant is not present in population databases (ExAC no frequency).

Literature cited by the submitters: PubMed 27062684 (cited by Labcorp Genetics (formerly Invitae), Labcorp).